The following is an entry in ClinVar:

NM_002382.5(MAX):c.34G>T (p.Asp12Tyr)

Genes: MAX (MYC associated transcriptional regulator X; minus strand), LOC130055850 (ATAC-STARR-seq lymphoblastoid silent region 5847; plus strand). Cytogenetic location: 14q23.3.
Variant type: single nucleotide variant.
Coding change: c.34G>T on transcript NM_002382.5 (MANE Select); coding-DNA position 34, G replaced by T.
Protein change: p.Asp12Tyr; replaces aspartic acid 12 with tyrosine.
Molecular consequence: missense variant. On other transcripts: 5 prime UTR variant (1).
Genome position (GRCh38, 1-based): chr14:65,102,306, C>A on the plus strand (G>T on the coding strand, the complement: MAX is on the minus strand). VCF-style: chr14-65102306-C-A. GRCh37 (hg19) VCF-style: chr14-65569024-C-A.
Other names: c.34G>T, p.Asp12Tyr (NM_001271068.2, NM_001271069.2, NM_145112.3 and 3 more transcripts); c.-241G>T (NM_001320415.2); short protein forms D12Y.
Identifiers: ClinVar variation 850558 (VCV000850558.11), dbSNP rs2063874476, ClinGen allele CA390038928.
Genomic context (GRCh38, chr14:65,102,306, plus strand): 5'-CCCGGCCGCTGTCCCCGCCTGACAACCCGCACGGGAAGGAAGAAGCCCCAGGACTCACGT[C>A]GCTCTCCACCTCGATGTCATCGTTATCGCTCATTTCCTACGGCCCAGGGAGCGGCCACTG-3'
Protein context (NP_002373.3, residues 2-22): SDNDDIEVES[Asp12Tyr]EEQPRFQSAA

ClinVar aggregate classification (germline): Uncertain significance. Review status: criteria provided, multiple submitters, no conflicts (2 of 4 stars). 2 submissions from 2 submitters: Uncertain significance (2). Last evaluated 2024-05-01.

Conditions:
Pheochromocytoma. Also called: MAX-Related Hereditary Paraganglioma-Pheochromocytoma Syndrome. Identifiers: Orphanet 29072, MedGen C0031511, MONDO:0008233, OMIM 171300, HP:0002666.
Hereditary pheochromocytoma and paraganglioma. Also called: Hereditary pheochromocytoma-paraganglioma; Hereditary paragangliomas and pheochromocytomas; Hereditary Paraganglioma-Pheochromocytoma Syndromes. Identifiers: Orphanet 29072, MedGen C4274332, MONDO:0017366.

Allele frequency attached by ClinVar (database versions not stated): gnomAD exomes below 0.00001.
gnomAD v4.1: 1 of 1,613,824 alleles (0.000062%); highest among the groups gnomAD compares: Non-Finnish European, 0.000085%; no homozygotes.

Submissions (2):

St. Jude Molecular Pathology, St. Jude Children's Research Hospital
Classification: Uncertain significance for Pheochromocytoma. Last evaluated: 2024-05-01. Review status: criteria provided, single submitter. Criteria: St. Jude Assertion Criteria 2020. Collection method: clinical testing. Allele origin: germline.
Comment: The MAX c.34G>T (p.Asp12Tyr) missense change is absent in gnomAD v2.1.1. The in silico tool REVEL predicts a deleterious effect on protein function, but to our knowledge this prediction has not been confirmed by functional studies. To our knowledge, this variant has not been reported in individuals with paraganglioma or pheochromocytoma. In summary, the evidence currently available is insufficient to determine the clinical significance of this variant. It has therefore been classified as of uncertain significance.

Labcorp Genetics (formerly Invitae), Labcorp
Classification: Uncertain significance for Hereditary pheochromocytoma and paraganglioma. Last evaluated: 2023-09-29. Review status: criteria provided, single submitter. Criteria: Invitae Variant Classification Sherloc (09022015). Collection method: clinical testing. Allele origin: germline.
Comment: This variant is not present in population databases (gnomAD no frequency). This sequence change replaces aspartic acid, which is acidic and polar, with tyrosine, which is neutral and polar, at codon 12 of the MAX protein (p.Asp12Tyr). This variant has not been reported in the literature in individuals affected with MAX-related conditions. In summary, the available evidence is currently insufficient to determine the role of this variant in disease. Therefore, it has been classified as a Variant of Uncertain Significance. An algorithm developed to predict the effect of missense changes on protein structure and function (PolyPhen-2) suggests that this variant is likely to be disruptive. ClinVar contains an entry for this variant (Variation ID: 850558).